The following is an entry in ClinVar:

NM_001162499.2(CAND2):c.95C>T (p.Ser32Leu)

Gene: CAND2 (cullin associated and neddylation dissociated 2 (putative); plus strand). Cytogenetic location: 3p25.2.
Variant type: single nucleotide variant.
Coding change: c.95C>T on transcript NM_001162499.2 (MANE Select); coding-DNA position 95, C replaced by T.
Protein change: p.Ser32Leu; replaces serine 32 with leucine.
Molecular consequence: missense variant.
Genome position (GRCh38, 1-based): chr3:12,803,514, C>T. VCF-style: chr3-12803514-C-T. GRCh37 (hg19) VCF-style: chr3-12845013-C-T.
Other names: c.95C>T, p.Ser32Leu (NM_012298.3); short protein forms S32L.
Identifiers: ClinVar variation 3387855 (VCV003387855.14).

ClinVar aggregate classification (germline): Likely benign (1 of 4 stars; one submission).

gnomAD v4.1: 11,827 of 1,612,434 alleles (0.73%); highest among the groups gnomAD compares: Non-Finnish European, 0.88%; 57 homozygotes.

Submission:

CeGaT Center for Human Genetics Tuebingen
Classification: Likely benign. Last evaluated: 2024-11-01. Review status: criteria provided, single submitter. Criteria: CeGaT Center For Human Genetics Tuebingen Variant Classification Criteria Version 2. Collection method: clinical testing. Allele origin: germline. Affected: yes. Observed: 1 variant allele.
Comment: CAND2: PP2, BP4, BS2